The following is an entry in ClinVar:

ClinVar aggregate classification (germline): Uncertain significance. Review status: criteria provided, multiple submitters, no conflicts (2 of 4 stars). 3 submissions from 3 submitters: Uncertain significance (3). Last evaluated 2026-01-05.

Conditions:
Age related macular degeneration 1 (ARMD1). Also called: MACULOPATHY, AGE-RELATED, 1. Identifiers: MedGen C1864205, MONDO:0011285, OMIM 603075.

Allele frequency attached by ClinVar (database versions not stated): gnomAD 0.00001 and 0.00002; gnomAD exomes 0.00001 and 0.00002.
gnomAD v4.1: 55 of 1,613,726 alleles (0.0034%); highest among the groups gnomAD compares: East Asian, 0.029%; no homozygotes.

Submissions (3):

Labcorp Genetics (formerly Invitae), Labcorp
Classification: Uncertain significance. Last evaluated: 2026-01-05. Review status: criteria provided, single submitter. Criteria: Invitae Variant Classification Sherloc (09022015). Collection method: clinical testing. Allele origin: germline.
Comment: This sequence change replaces leucine, which is neutral and non-polar, with tryptophan, which is neutral and slightly polar, at codon 754 of the HMCN1 protein (p.Leu754Trp). This variant is present in population databases (no rsID available, gnomAD 0.03%). This missense change has been observed in individuals with clinical features of retinitis pigmentosa (internal data). ClinVar contains an entry for this variant (Variation ID: 1434336). An algorithm developed to predict the effect of missense changes on protein structure and function (PolyPhen-2) suggests that this variant is likely to be disruptive. In summary, the available evidence is currently insufficient to determine the role of this variant in disease. Therefore, it has been classified as a Variant of Uncertain Significance.

Genome-Nilou Lab
Classification: Uncertain significance for Age related macular degeneration 1. Last evaluated: 2023-04-11. Review status: criteria provided, single submitter. Criteria: ACMG Guidelines, 2015. Collection method: clinical testing. Allele origin: germline. Affected: no.

Ambry Genetics
Classification: Uncertain significance. Last evaluated: 2021-07-15. Review status: criteria provided, single submitter. Criteria: Ambry Variant Classification Scheme 2023. Collection method: clinical testing. Allele origin: germline.

NM_031935.3(HMCN1):c.2261T>G (p.Leu754Trp)

Gene: HMCN1 (hemicentin 1; plus strand). Cytogenetic location: 1q31.1.
Variant type: single nucleotide variant.
Coding change: c.2261T>G on transcript NM_031935.3 (MANE Select); coding-DNA position 2261, T replaced by G.
Protein change: p.Leu754Trp; replaces leucine 754 with tryptophan.
Molecular consequence: missense variant.
Genome position (GRCh38, 1-based): chr1:185,970,383, T>G. VCF-style: chr1-185970383-T-G. GRCh37 (hg19) VCF-style: chr1-185939515-T-G.
Other names: c.2261T>G (NM_031935.2); short protein forms L754W.
Identifiers: ClinVar variation 1434336 (VCV001434336.7), dbSNP rs1046849931, ClinGen allele CA33461394.